The following is an entry in ClinVar:

NM_000639.3(FASLG):c.360G>C (p.Gln120His)

Gene: FASLG (Fas ligand; plus strand). Cytogenetic location: 1q24.3.
Variant type: single nucleotide variant.
Coding change: c.360G>C on transcript NM_000639.3 (MANE Select); coding-DNA position 360, G replaced by C.
Protein change: p.Gln120His; replaces glutamine 120 with histidine.
Molecular consequence: missense variant. On other transcripts: intron variant (1).
Genome position (GRCh38, 1-based): chr1:172,660,106, G>C. VCF-style: chr1-172660106-G-C. GRCh37 (hg19) VCF-style: chr1-172629246-G-C.
Other names: c.348+557G>C (NM_001302746.2); short protein forms Q120H.
Identifiers: ClinVar variation 874259 (VCV000874259.9), dbSNP rs372615226, ClinGen allele CA1247526.

ClinVar aggregate classification (germline): Conflicting classifications of pathogenicity. Review status: criteria provided, conflicting classifications (1 of 4 stars). 3 submissions from 3 submitters: Uncertain significance (2); Benign (1). Last evaluated 2022-10-08.

Conditions:
Autoimmune lymphoproliferative syndrome type 1. Also called: AUTOIMMUNE LYMPHOPROLIFERATIVE SYNDROME, TYPE I, AUTOSOMAL DOMINANT. Identifiers: Orphanet 3261, MedGen C2717884, MONDO:0011158, OMIM 601859.

Allele frequency attached by ClinVar (database versions not stated): 1000 Genomes Project 0.00020; gnomAD 0.00026 and 0.00024; 1000 Genomes Project 30x 0.00016; TOPMed 0.00015; ESP Exome Variant Server 0.00046.
gnomAD v4.1: 63 of 1,614,136 alleles (0.0039%); highest among the groups gnomAD compares: African/African-American, 0.072%; no homozygotes.

Submissions (3):

Revvity Omics, Revvity
Classification: Uncertain significance for Autoimmune lymphoproliferative syndrome type 1. Last evaluated: 2022-10-08. Review status: criteria provided, single submitter. Criteria: ACMG Guidelines, 2015. Collection method: clinical testing. Allele origin: germline.

Labcorp Genetics (formerly Invitae), Labcorp
Classification: Uncertain significance for Autoimmune lymphoproliferative syndrome. Last evaluated: 2022-08-31. Review status: criteria provided, single submitter. Criteria: Invitae Variant Classification Sherloc (09022015). Collection method: clinical testing. Allele origin: germline.
Comment: This sequence change replaces glutamine, which is neutral and polar, with histidine, which is basic and polar, at codon 120 of the FASLG protein (p.Gln120His). This variant is present in population databases (rs372615226, gnomAD 0.08%). This variant has not been reported in the literature in individuals affected with FASLG-related conditions. ClinVar contains an entry for this variant (Variation ID: 874259). Algorithms developed to predict the effect of missense changes on protein structure and function output the following: SIFT: "Tolerated"; PolyPhen-2: "Benign"; Align-GVGD: "Class C0". The histidine amino acid residue is found in multiple mammalian species, which suggests that this missense change does not adversely affect protein function. In summary, the available evidence is currently insufficient to determine the role of this variant in disease. Therefore, it has been classified as a Variant of Uncertain Significance.

Illumina Laboratory Services, Illumina
Classification: Benign for Autoimmune lymphoproliferative syndrome type 1. Last evaluated: 2018-01-12. Review status: criteria provided, single submitter. Criteria: ICSL Variant Classification Criteria 13 December 2019. Collection method: clinical testing. Allele origin: germline.
Comment: This variant was observed in the ICSL laboratory as part of a predisposition screen in an ostensibly healthy population. It had not been previously curated by ICSL or reported in the Human Gene Mutation Database (HGMD: prior to June 1st, 2018), and was therefore a candidate for classification through an automated scoring system. Utilizing variant allele frequency, disease prevalence and penetrance estimates, and inheritance mode, an automated score was calculated to assess if this variant is too frequent to cause the disease. Based on the score and internal cut-off values, a variant classified as benign is not then subjected to further curation. The score for this variant resulted in a classification of benign for this disease.